The following is an entry in ClinVar:

ClinVar aggregate classification (germline): Pathogenic. Review status: reviewed by expert panel (3 of 4 stars). 7 submissions from 7 submitters: Pathogenic (1). 6 of the submissions do not count toward it. Last evaluated 2018-08-31.

Conditions:
Congenital bilateral aplasia of vas deferens from CFTR mutation (CBAVD). Identifiers: Orphanet 48, MedGen C0403814, MONDO:0010178, OMIM 277180. Disease mechanism: loss of function.
Cystic fibrosis (CF). Also called: MUCOVISCIDOSIS. Identifiers: Orphanet 586, MedGen C0010674, MONDO:0009061, OMIM 219700. Disease mechanism: loss of function.
CFTR-related disorder (CFTR-RD). Also called: CFTR-related condition; CFTR-related disorders. Identifiers: MedGen C5924204, MONDO:7770004.

Submissions (7):

CFTR2
Classification: Pathogenic for Cystic fibrosis. Last evaluated: 2018-08-31. Review status: reviewed by expert panel. Criteria: Sosnay PR et al. (Nat Genet 2013). Collection method: research. Allele origin: germline. Affected: yes.

PreventionGenetics, part of Exact Sciences
Classification: Pathogenic for CFTR-related condition. Last evaluated: 2026-02-20. Review status: criteria provided, single submitter. Criteria: ACMG Guidelines, 2015. Collection method: clinical testing. Allele origin: germline. Not counted in ClinVar's aggregate classification.
Comment: The CFTR c.3294G>T variant is predicted to result in the amino acid substitution p.Trp1098Cys. This variant, also described as c.3426G>T, has been reported in the compound heterozygous state with a second disease-causing CFTR variant in multiple individuals with cystic fibrosis (CF; Orozco et al. 2000. PubMed ID: 10798368; CFTR2 database). This variant has also been reported in the homozygous state in an individual with congenital bilateral absence of the vas deferens (CBAVD) who did not manifest symptoms of CF (Danziger et al. 2004. PubMed ID: 14998948). In vitro functional studies show this variant leads to a significant reduction in chloride channel activity (~2.3-3.4%) compared to control (Han et al. 2018. PubMed ID: 30046002; Table S1, Bihler et al. 2024. PubMed ID: 38388235). This variant has not been reported in a large population database (gnomAD), indicating this variant is rare. Taken together, the c.3294G>T (p.Trp1098Cys) variant is interpreted as pathogenic.

Natera, Inc.
Classification: Likely pathogenic for CFTR-related disorders. Last evaluated: 2025-01-23. Review status: criteria provided, single submitter. Criteria: Natera Variant Classification Schema (03/2026). Collection method: clinical testing. Allele origin: germline. Not counted in ClinVar's aggregate classification.
Comment: The c.3294G>T variant in CFTR is a missense variant predicted to cause substitution of tryptophan to cysteine at amino acid 1098. This variant is rare in the general population with a frequency below the threshold expected for the associated phenotype(s). This variant has been observed in one or more individuals affected with the associated recessive disease, as either homozygous or compound heterozygous with a second variant (PMID: 10798368). Another variant at this same site results in an alteration predicted to cause a similar molecular effect has been observed in individual(s) with the associated phenotype. Computational prediction algorithms indicate this variant is likely to affect gene or protein function. Given the available evidence, this variant is classified as Likely Pathogenic.

Women's Health and Genetics/Laboratory Corporation of America, LabCorp
Classification: Pathogenic for Cystic fibrosis. Last evaluated: 2024-10-22. Review status: criteria provided, single submitter. Criteria: LabCorp Variant Classification Summary - May 2015. Collection method: clinical testing. Allele origin: germline. Not counted in ClinVar's aggregate classification.
Comment: Variant summary: CFTR c.3294G>T (p.Trp1098Cys) results in a non-conservative amino acid change located in the ABC transporter type 1, transmembrane domain (IPR011527) of the encoded protein sequence. Five of five in-silico tools predict a damaging effect of the variant on protein function. The variant was absent in 251088 control chromosomes. c.3294G>T has been reported in the literature in individuals affected with Cystic Fibrosis and Congenital Bilateral Absence Of The Vas Deferens (examples: Orozco_2000, Danziger_2004). These data indicate that the variant may be associated with disease. A different variant resulting in the same amino acid consequence has been classified as pathogenic by our lab (c.3294G>C), supporting the pathogenicity of this variant. The most pronounced variant effect results in <10% of normal activity (example: Han_2018). The following publications have been ascertained in the context of this evaluation (PMID: 14998948, 10798368, 21416780, 30046002, 38388235). ClinVar contains an entry for this variant (Variation ID: 618905). Based on the evidence outlined above, the variant was classified as pathogenic.

Labcorp Genetics (formerly Invitae), Labcorp
Classification: Likely pathogenic for Cystic fibrosis. Last evaluated: 2021-11-24. Review status: criteria provided, single submitter. Criteria: Invitae Variant Classification Sherloc (09022015). Collection method: clinical testing. Allele origin: germline. Not counted in ClinVar's aggregate classification.
Comment: Algorithms developed to predict the effect of missense changes on protein structure and function are either unavailable or do not agree on the potential impact of this missense change (SIFT: "Deleterious"; PolyPhen-2: "Probably Damaging"; Align-GVGD: "Class C15"). In summary, the currently available evidence indicates that the variant is pathogenic, but additional data are needed to prove that conclusively. Therefore, this variant has been classified as Likely Pathogenic. This variant disrupts the p.Trp1098 amino acid residue in CFTR. Other variant(s) that disrupt this residue have been determined to be pathogenic (PMID: 7537150, 8662892). This suggests that this residue is clinically significant, and that variants that disrupt this residue are likely to be disease-causing. Experimental studies have shown that this missense change affects CFTR function (PMID: 30046002). ClinVar contains an entry for this variant (Variation ID: 618905). This variant is also known as c.3426G>T. This missense change has been observed in individual(s) with cystic fibrosis (PMID: 10798368, 14998948, 16963320, 21416780). In at least one individual the data is consistent with being in trans (on the opposite chromosome) from a pathogenic variant. This variant is not present in population databases (gnomAD no frequency). This sequence change replaces tryptophan, which is neutral and slightly polar, with cysteine, which is neutral and slightly polar, at codon 1098 of the CFTR protein (p.Trp1098Cys).

Mendelics
Classification: Likely pathogenic for Cystic fibrosis. Last evaluated: 2018-11-05. Review status: criteria provided, single submitter. Criteria: Mendelics Assertion Criteria 2017. Collection method: clinical testing. Allele origin: unknown. Affected: yes. Not counted in ClinVar's aggregate classification.

Baylor Genetics
Classification: Likely pathogenic for Congenital bilateral aplasia of vas deferens from CFTR mutation; Cystic fibrosis. Review status: criteria provided, single submitter. Criteria: ACMG Guidelines, 2015. Collection method: clinical testing. Allele origin: germline. Not counted in ClinVar's aggregate classification.

Literature cited by the submitters: PubMed 10798368 (cited by 3 submitters); PubMed 14998948 (cited by Women's Health and Genetics/Laboratory Corporation of America, LabCorp and Labcorp Genetics (formerly Invitae), Labcorp); PubMed 21416780 (cited by Women's Health and Genetics/Laboratory Corporation of America, LabCorp and Labcorp Genetics (formerly Invitae), Labcorp); PubMed 30046002 (cited by Women's Health and Genetics/Laboratory Corporation of America, LabCorp and Labcorp Genetics (formerly Invitae), Labcorp); PubMed 38388235 (cited by Women's Health and Genetics/Laboratory Corporation of America, LabCorp); PubMed 7537150 (cited by Labcorp Genetics (formerly Invitae), Labcorp); PubMed 8662892 (cited by Labcorp Genetics (formerly Invitae), Labcorp); PubMed 16963320 (cited by Labcorp Genetics (formerly Invitae), Labcorp).

NM_000492.4(CFTR):c.3294G>T (p.Trp1098Cys)

Genes: CFTR (CF transmembrane conductance regulator; plus strand), CFTR-AS2 (CFTR antisense RNA 2; minus strand), LOC111674472 (DNase I hypersensitive sites in introns 16 and 17a of CFTR; plus strand). Cytogenetic location: 7q31.2.
Variant type: single nucleotide variant.
Coding change: c.3294G>T on transcript NM_000492.4 (MANE Select); coding-DNA position 3294, G replaced by T.
Protein change: p.Trp1098Cys; replaces tryptophan 1098 with cysteine.
Molecular consequence: missense variant.
Genome position (GRCh38, 1-based): chr7:117,611,735, G>T. VCF-style: chr7-117611735-G-T. GRCh37 (hg19) VCF-style: chr7-117251789-G-T.
Other names: short protein forms W1098C.
Identifiers: ClinVar variation 618905 (VCV000618905.14), dbSNP rs397508533, ClinGen allele CA368992416.